The following is an entry in ClinVar:

ClinVar aggregate classification (germline): Uncertain significance. Review status: criteria provided, multiple submitters, no conflicts (2 of 4 stars). 2 submissions from 2 submitters: Uncertain significance (2). Last evaluated 2024-05-23.

Submissions (2):

GeneDx
Classification: Uncertain significance. Last evaluated: 2024-05-23. Review status: criteria provided, single submitter. Criteria: GeneDx Variant Classification Process June 2021. Collection method: clinical testing. Allele origin: germline. Affected: yes.
Comment: Not observed at significant frequency in large population cohorts (gnomAD); In silico analysis supports that this missense variant has a deleterious effect on protein structure/function; Has not been previously published as pathogenic or benign to our knowledge

Blueprint Genetics
Classification: Uncertain significance. Last evaluated: 2019-12-31. Review status: criteria provided, single submitter. Criteria: ACMG Guidelines, 2015. Collection method: clinical testing. Allele origin: germline.

NM_001199138.2(NLRC4):c.1025T>G (p.Val342Gly)

Gene: NLRC4 (NLR family CARD domain containing 4; minus strand). Cytogenetic location: 2p22.3.
Variant type: single nucleotide variant.
Coding change: c.1025T>G on transcript NM_001199138.2 (MANE Select); coding-DNA position 1025, T replaced by G.
Protein change: p.Val342Gly; replaces valine 342 with glycine.
Molecular consequence: missense variant. On other transcripts: intron variant (1).
Genome position (GRCh38, 1-based): chr2:32,250,839, A>C on the plus strand (T>G on the coding strand, the complement: NLRC4 is on the minus strand). VCF-style: chr2-32250839-A-C. GRCh37 (hg19) VCF-style: chr2-32475908-A-C.
Other names: c.1025T>G, p.Val342Gly (NM_001199139.2, NM_021209.5); c.262+1580T>G (NM_001302504.1); short protein forms V342G.
Identifiers: ClinVar variation 3381495 (VCV003381495.2).